The following is an entry in ClinVar:

GRCh37/hg19 6p25.3(chr6:647204-1716710)x1

Genes: EXOC2 (exocyst complex component 2; minus strand), FOXC1 (forkhead box C1; plus strand), FOXF2 (forkhead box F2; plus strand), FOXQ1 (forkhead box Q1; plus strand), GMDS (GDP-mannose 4,6-dehydratase; minus strand) and 1 more. Cytogenetic location: 6p25.3.
Variant type: copy number loss.
Change: copy number 1 (one copy instead of two) of chr6:647,204-1,716,710 (1.07 Mb, GRCh37 coordinates, 1-based), cytogenetic band 6p25.3.
Identifiers: ClinVar variation 2685193 (VCV002685193.1).

ClinVar aggregate classification (germline): Pathogenic (1 of 4 stars; one submission).

Submission:

Quest Diagnostics Nichols Institute San Juan Capistrano
Classification: Pathogenic. Last evaluated: 2022-09-20. Review status: criteria provided, single submitter. Criteria: ACMG/ClinGen CNV Guidelines, 2019. Collection method: clinical testing. Allele origin: unknown.
Comment: The copy number loss of 6p25.3 involves multiple protein-coding genes, including FOXC1 (OMIM 601090). Haploinsufficiency of FOXC1 is associated with autosomal dominant Axenfeld-Rieger syndrome type 3 (RIEG3; OMIM 602482). Additionally, heterozygous missense and truncating variants of FOXC1 are associated with autosomal dominant anterior segment dysgenesis-3 (ASGD3; OMIM 601631). Larger deletions overlapping the current interval are associated with chromosome 6pter-p24 deletion syndrome (OMIM 612582, Aldinger 2009, Chanda 2008). Additionally, a larger, de novo deletion was identified in an individual with aortic stenosis, global developmental delay and facial dysmorphisms (Ovaert 2017). As there are no similar copy number losses of this region in the general populations of the Database of Genomic Variants, the classification of this copy number variant (CNV) is pathogenic. References: Aldinger et al., Nat Genet. 2009 Sep;41(9):1037-42. PMID: 19668217 Chanda et al., Hum Mol Genet. 2008 Nov 15;17(22):3446-58. PMID: 18694899 Ovaert et al., Am J Med Genet A. 2017 Sep;173(9):2489-2493. PMID: 28657660